The following is an entry in ClinVar:

ClinVar aggregate classification (germline): Likely benign (1 of 4 stars; one submission).

Submission:

CeGaT Center for Human Genetics Tuebingen
Classification: Likely benign. Last evaluated: 2026-05-01. Review status: criteria provided, single submitter. Criteria: CeGaT Center For Human Genetics Tuebingen Variant Classification Criteria Version 2. Collection method: clinical testing. Allele origin: germline. Affected: yes. Observed: 1 variant allele.
Comment: MYO5A: PM2:Supporting, BP4, BP7

NM_001382347.1(MYO5A):c.4176C>A (p.Pro1392=)

Gene: MYO5A (myosin VA; minus strand). Cytogenetic location: 15q21.2.
Variant type: single nucleotide variant.
Coding change: c.4176C>A on transcript NM_001382347.1 (MANE Select); coding-DNA position 4176, C replaced by A.
Protein change: p.Pro1392=; no amino-acid change (proline 1392 retained).
Molecular consequence: synonymous variant.
Genome position (GRCh38, 1-based): chr15:52,340,259, G>T on the plus strand (C>A on the coding strand, the complement: MYO5A is on the minus strand). VCF-style: chr15-52340259-G-T. GRCh37 (hg19) VCF-style: chr15-52632456-G-T.
Other names: c.4176C>A, p.Pro1392= (NM_000259.3); c.4095C>A, p.Pro1365= (NM_001142495.2); c.4248C>A, p.Pro1416= (NM_001382348.1, NM_001382349.1); c.4167C>A, p.Pro1389= (NM_001411135.1).
Identifiers: ClinVar variation 4872935 (VCV004872935.2).